The following is an entry in ClinVar:

ClinVar aggregate classification (germline): Uncertain significance (1 of 4 stars; one submission).

gnomAD v4.1: 2 of 1,614,034 alleles (0.00012%); highest among the groups gnomAD compares: Non-Finnish European, 0.00017%; no homozygotes.

Submission:

Ambry Genetics
Classification: Uncertain significance. Last evaluated: 2026-04-04. Review status: criteria provided, single submitter. Criteria: Ambry Variant Classification Scheme 2023. Collection method: clinical testing. Allele origin: germline.
Comment: The p.S329P variant (also known as c.985T>C), located in coding exon 6 of the PKP4 gene, results from a T to C substitution at nucleotide position 985. The serine at codon 329 is replaced by proline, an amino acid with similar properties. This amino acid position is conserved. In addition, this alteration is predicted to be tolerated by in silico analysis. Based on the available evidence, the clinical significance of this variant remains unclear.

NM_003628.6(PKP4):c.985T>C (p.Ser329Pro)

Gene: PKP4 (plakophilin 4; plus strand). Cytogenetic location: 2q24.1.
Variant type: single nucleotide variant.
Coding change: c.985T>C on transcript NM_003628.6 (MANE Select); coding-DNA position 985, T replaced by C.
Protein change: p.Ser329Pro; replaces serine 329 with proline.
Molecular consequence: missense variant. On other transcripts: 5 prime UTR variant (1).
Genome position (GRCh38, 1-based): chr2:158,625,259, T>C. VCF-style: chr2-158625259-T-C. GRCh37 (hg19) VCF-style: chr2-159481771-T-C.
Other names: c.985T>C, p.Ser329Pro (NM_001005476.4, NM_001304969.3, NM_001304971.2 and 6 more transcripts); c.-42T>C (NM_001304970.3); c.979T>C, p.Ser327Pro (NM_001377222.1, NM_001377223.1, NM_001377224.1); short protein forms S327P, S329P.
Identifiers: ClinVar variation 4862012 (VCV004862012.1).